The following is an entry in ClinVar:

GRCh38/hg38 12p13.33-13.32(chr12:2492728-4829842)x1

Genes: AKAP3 (A-kinase anchoring protein 3; minus strand), CACNA1C (calcium voltage-gated channel subunit alpha1 C; plus strand), CACNA1C-AS1 (CACNA1C antisense RNA 1; minus strand), CACNA1C-AS2 (CACNA1C antisense RNA 2; minus strand), CCND2 (cyclin D2; plus strand) and 89 more. Cytogenetic location: 12p13.33-13.32.
Variant type: copy number loss.
Change: copy number 1 (one copy instead of two) of chr12:2,492,728-4,829,842 (2.34 Mb, GRCh38 coordinates, 1-based), cytogenetic band 12p13.33-13.32.
Identifiers: ClinVar variation 58983 (VCV000058983.1).

ClinVar aggregate classification (germline): Pathogenic (1 of 4 stars; one submission).

Submission:

ISCA site 4
Classification: Pathogenic. Last evaluated: 2011-08-12. Review status: criteria provided, single submitter. Criteria: Kaminsky et al. (Genet Med. 2011). Collection method: clinical testing. Allele origin: unknown. Affected: yes. Observed: 1 variant allele.
Comment: Copy number variation identified through the course of routine clinical cytogenomic testing in postnatal populations. Clinical assertions have been curated as described in Kaminsky et al. 2011.